The following is an entry in ClinVar:

NM_020207.7(ERCC6L2):c.325T>C (p.Ser109Pro)

Gene: ERCC6L2 (ERCC excision repair 6 like 2; plus strand). Cytogenetic location: 9q22.32.
Variant type: single nucleotide variant.
Coding change: c.325T>C on transcript NM_020207.7 (MANE Select); coding-DNA position 325, T replaced by C.
Protein change: p.Ser109Pro; replaces serine 109 with proline.
Molecular consequence: missense variant. On other transcripts: non-coding transcript variant (1).
Genome position (GRCh38, 1-based): chr9:95,881,147, T>C. VCF-style: chr9-95881147-T-C. GRCh37 (hg19) VCF-style: chr9-98643429-T-C.
Other names: c.325T>C, p.Ser109Pro (NM_001010895.4, NM_001375291.1, NM_001375292.1 and 2 more transcripts); short protein forms S109P.
Identifiers: ClinVar variation 4019393 (VCV004019393.1).
Genomic context (GRCh38, chr9:95,881,147, plus strand): 5'-TTAGAAAAACCTTATTTCCCAAACCGAAAATTTCCATCATCTTCTGTTGCTTTTAAATTA[T>C]CTGACAATGGAGACTCTATTCCTTATACCATCAATAGGTATTTGAGAGACTACCAAAGAG-3'
Protein context (NP_064592.3, residues 99-119): FPSSSVAFKL[Ser109Pro]DNGDSIPYTI

ClinVar aggregate classification (germline): Uncertain significance (1 of 4 stars; one submission).

Conditions:
Inborn genetic diseases. Identifiers: MedGen C0950123, MeSH D030342.

Submission:

Ambry Genetics
Classification: Uncertain significance for Inborn genetic diseases. Last evaluated: 2025-06-02. Review status: criteria provided, single submitter. Criteria: Ambry Variant Classification Scheme 2023. Collection method: clinical testing. Allele origin: germline.
Comment: The p.S109P variant (also known as c.325T>C), located in coding exon 2 of the ERCC6L2 gene, results from a T to C substitution at nucleotide position 325. The serine at codon 109 is replaced by proline, an amino acid with similar properties. This amino acid position is conserved. In addition, this alteration is predicted to be deleterious by in silico analysis. Based on the available evidence, the clinical significance of this variant remains unclear.